The following is an entry in ClinVar:

ClinVar aggregate classification (germline): Uncertain significance (1 of 4 stars; one submission).

Allele frequency attached by ClinVar (database versions not stated): gnomAD exomes 0.00001.
gnomAD v4.1: 9 of 1,568,300 alleles (0.00057%); highest among the groups gnomAD compares: Non-Finnish European, 0.00078%; no homozygotes.

Submission:

Labcorp Genetics (formerly Invitae), Labcorp
Classification: Uncertain significance. Last evaluated: 2021-12-02. Review status: criteria provided, single submitter. Criteria: Invitae Variant Classification Sherloc (09022015). Collection method: clinical testing. Allele origin: germline.
Comment: This variant has not been reported in the literature in individuals affected with AHR-related conditions. This variant is present in population databases (no rsID available, gnomAD 0.0009%). This sequence change replaces serine, which is neutral and polar, with cysteine, which is neutral and slightly polar, at codon 140 of the AHR protein (p.Ser140Cys). Algorithms developed to predict the effect of missense changes on protein structure and function are either unavailable or do not agree on the potential impact of this missense change (SIFT: "Deleterious"; PolyPhen-2: "Probably Damaging"; Align-GVGD: "Class C15"). In summary, the available evidence is currently insufficient to determine the role of this variant in disease. Therefore, it has been classified as a Variant of Uncertain Significance.

NM_001621.5(AHR):c.419C>G (p.Ser140Cys)

Gene: AHR (aryl hydrocarbon receptor; plus strand). Cytogenetic location: 7p21.1.
Variant type: single nucleotide variant.
Coding change: c.419C>G on transcript NM_001621.5 (MANE Select); coding-DNA position 419, C replaced by G.
Protein change: p.Ser140Cys; replaces serine 140 with cysteine.
Molecular consequence: missense variant.
Genome position (GRCh38, 1-based): chr7:17,327,817, C>G. VCF-style: chr7-17327817-C-G. GRCh37 (hg19) VCF-style: chr7-17367441-C-G.
Other names: short protein forms S140C.
Identifiers: ClinVar variation 1898525 (VCV001898525.5), dbSNP rs1288966849, ClinGen allele CA366891259.